The following is an entry in ClinVar:

NM_001844.5(COL2A1):c.509C>T (p.Pro170Leu)

Gene: COL2A1 (collagen type II alpha 1 chain; minus strand). Cytogenetic location: 12q13.11.
Variant type: single nucleotide variant.
Coding change: c.509C>T on transcript NM_001844.5 (MANE Select); coding-DNA position 509, C replaced by T.
Protein change: p.Pro170Leu; replaces proline 170 with leucine.
Molecular consequence: missense variant.
Genome position (GRCh38, 1-based): chr12:47,997,628, G>A on the plus strand (C>T on the coding strand, the complement: COL2A1 is on the minus strand). VCF-style: chr12-47997628-G-A. GRCh37 (hg19) VCF-style: chr12-48391411-G-A.
Other names: c.302C>T, p.Pro101Leu (NM_033150.3); short protein forms P101L, P170L.
Identifiers: ClinVar variation 3630956 (VCV003630956.2).

ClinVar aggregate classification (germline): Uncertain significance (1 of 4 stars; one submission).

gnomAD v4.1: 1 of 1,613,650 alleles (0.000062%); highest among the groups gnomAD compares: Middle Eastern, 0.016%; no homozygotes.

Submission:

Labcorp Genetics (formerly Invitae), Labcorp
Classification: Uncertain significance. Last evaluated: 2024-10-05. Review status: criteria provided, single submitter. Criteria: Invitae Variant Classification Sherloc (09022015). Collection method: clinical testing. Allele origin: germline.
Comment: This sequence change replaces proline, which is neutral and non-polar, with leucine, which is neutral and non-polar, at codon 170 of the COL2A1 protein (p.Pro170Leu). This variant is not present in population databases (gnomAD no frequency). This variant has not been reported in the literature in individuals affected with COL2A1-related conditions. Invitae Evidence Modeling of protein sequence and biophysical properties (such as structural, functional, and spatial information, amino acid conservation, physicochemical variation, residue mobility, and thermodynamic stability) has been performed for this missense variant. However, the output from this modeling did not meet the statistical confidence thresholds required to predict the impact of this variant on COL2A1 protein function. In summary, the available evidence is currently insufficient to determine the role of this variant in disease. Therefore, it has been classified as a Variant of Uncertain Significance.